The following is an entry in ClinVar:

ClinVar aggregate classification (germline): Uncertain significance. Review status: criteria provided, single submitter (1 of 4 stars). 2 submissions from 2 submitters: Uncertain significance (1). 1 of the submissions does not count toward it. Last evaluated 2024-04-10.

Conditions:
Tuberous sclerosis 2 (TSC2). Identifiers: Orphanet 805, MedGen C1860707, MONDO:0013199, OMIM 613254.
Tuberous sclerosis syndrome (TSC). Also called: Tuberous Sclerosis Complex; Tuberous sclerosis. Identifiers: Orphanet 805, MedGen C0041341, MONDO:0001734.

Submissions (2):

Labcorp Genetics (formerly Invitae), Labcorp
Classification: Uncertain significance for Tuberous sclerosis 2. Last evaluated: 2024-04-10. Review status: criteria provided, single submitter. Criteria: Invitae Variant Classification Sherloc (09022015). Collection method: clinical testing. Allele origin: germline.
Comment: This sequence change replaces tryptophan, which is neutral and slightly polar, with glycine, which is neutral and non-polar, at codon 1610 of the TSC2 protein (p.Trp1610Gly). This variant is not present in population databases (gnomAD no frequency). This missense change has been observed in individual(s) with tuberous sclerosis complex (PMID: 22903760). ClinVar contains an entry for this variant (Variation ID: 64955). Advanced modeling of protein sequence and biophysical properties (such as structural, functional, and spatial information, amino acid conservation, physicochemical variation, residue mobility, and thermodynamic stability) performed at Invitae indicates that this missense variant is expected to disrupt TSC2 protein function with a positive predictive value of 95%. Experimental studies are conflicting or provide insufficient evidence to determine the effect of this variant on TSC2 function (PMID: 22903760). In summary, the available evidence is currently insufficient to determine the role of this variant in disease. Therefore, it has been classified as a Variant of Uncertain Significance.

Tuberous sclerosis database (TSC2)
No classification provided. Condition: TSC. Review status: no classification provided. Criteria: Tuberous Sclerosis Database Assertion Criteria 2015. Collection method: curation. Allele origin: germline. Affected: yes. Not counted in ClinVar's aggregate classification.

Literature cited by the submitters: PubMed 22903760 (cited by Labcorp Genetics (formerly Invitae), Labcorp).

NM_000548.5(TSC2):c.4828T>G (p.Trp1610Gly)

Gene: TSC2 (TSC complex subunit 2; plus strand). Cytogenetic location: 16p13.3.
Variant type: single nucleotide variant.
Coding change: c.4828T>G on transcript NM_000548.5 (MANE Select); coding-DNA position 4828, T replaced by G.
Protein change: p.Trp1610Gly; replaces tryptophan 1610 with glycine.
Molecular consequence: missense variant.
Genome position (GRCh38, 1-based): chr16:2,086,358, T>G. VCF-style: chr16-2086358-T-G. GRCh37 (hg19) VCF-style: chr16-2136359-T-G.
Other names: c.4627T>G, p.Trp1543Gly (NM_001077183.3); c.4759T>G, p.Trp1587Gly (NM_001114382.3); c.4519T>G, p.Trp1507Gly (NM_001318827.2); c.4483T>G, p.Trp1495Gly (NM_001318829.2); c.4096T>G, p.Trp1366Gly (NM_001318831.2); c.4660T>G, p.Trp1554Gly (NM_001318832.2); c.4630T>G, p.Trp1544Gly (NM_001363528.2); c.4696T>G, p.Trp1566Gly (NM_001370404.1); and 1 more; short protein forms W1610G, W1366G, W1543G, W1554G, W1507G, W1566G, W1587G, W1544G.
Identifiers: ClinVar variation 64955 (VCV000064955.6), dbSNP rs397514966, ClinGen allele CA021068.